The following is an entry in ClinVar:

NM_001145809.2(MYH14):c.2086G>C (p.Asp696His)

Gene: MYH14 (myosin heavy chain 14; plus strand). Cytogenetic location: 19q13.33.
Variant type: single nucleotide variant.
Coding change: c.2086G>C on transcript NM_001145809.2 (MANE Select); coding-DNA position 2086, G replaced by C.
Protein change: p.Asp696His; replaces aspartic acid 696 with histidine.
Molecular consequence: missense variant.
Genome position (GRCh38, 1-based): chr19:50,257,340, G>C. VCF-style: chr19-50257340-G-C. GRCh37 (hg19) VCF-style: chr19-50760597-G-C.
Other names: c.1987G>C, p.Asp663His (NM_001077186.2); c.1963G>C, p.Asp655His (NM_024729.4); short protein forms D655H, D663H, D696H.
Identifiers: ClinVar variation 4755874 (VCV004755874.2).

ClinVar aggregate classification (germline): Uncertain significance (1 of 4 stars; one submission).

gnomAD v4.1: 1 of 1,609,520 alleles (0.000062%); highest among the groups gnomAD compares: Non-Finnish European, 0.000085%; no homozygotes.

Submission:

GeneDx
Classification: Uncertain significance. Last evaluated: 2026-04-05. Review status: criteria provided, single submitter. Criteria: GeneDx Variant Classification Process June 2021. Collection method: clinical testing. Allele origin: germline.
Comment: Not observed at significant frequency in large population cohorts (gnomAD); In silico analysis supports that this missense variant has a deleterious effect on protein structure/function; Has not been previously published as pathogenic or benign to our knowledge